The following is an entry in ClinVar:

NM_144670.6(A2ML1):c.677C>T (p.Pro226Leu)

Gene: A2ML1 (alpha-2-macroglobulin like 1; plus strand). Cytogenetic location: 12p13.31.
Variant type: single nucleotide variant.
Coding change: c.677C>T on transcript NM_144670.6 (MANE Select); coding-DNA position 677, C replaced by T.
Protein change: p.Pro226Leu; replaces proline 226 with leucine.
Molecular consequence: missense variant.
Genome position (GRCh38, 1-based): chr12:8,836,288, C>T. VCF-style: chr12-8836288-C-T. GRCh37 (hg19) VCF-style: chr12-8988884-C-T.
Other names: short protein forms P226L.
Identifiers: ClinVar variation 4255721 (VCV004255721.1).

ClinVar aggregate classification (germline): Uncertain significance (1 of 4 stars; one submission).

Submission:

Ambry Genetics
Classification: Uncertain significance. Last evaluated: 2025-07-21. Review status: criteria provided, single submitter. Criteria: Ambry Variant Classification Scheme 2023. Collection method: clinical testing. Allele origin: germline.
Comment: The p.P226L variant (also known as c.677C>T), located in coding exon 7 of the A2ML1 gene, results from a C to T substitution at nucleotide position 677. The proline at codon 226 is replaced by leucine, an amino acid with similar properties. This amino acid position is conserved. In addition, this alteration is predicted to be tolerated by in silico analysis. Based on the available evidence, the clinical significance of this variant remains unclear.